The following is an entry in ClinVar:

ClinVar aggregate classification (germline): Conflicting classifications of pathogenicity. Review status: criteria provided, conflicting classifications (1 of 4 stars). 3 submissions from 3 submitters: Uncertain significance (2); Likely benign (1). Last evaluated 2026-07-29.

Conditions:
WRN-related disorder. Also called: WRN-related condition.
Werner syndrome (WRN). Identifiers: Orphanet 902, MedGen C0043119, MONDO:0010196, OMIM 277700.

Allele frequency attached by ClinVar (database versions not stated): gnomAD 0.00004 and 0.00008; TOPMed 0.00006; ESP Exome Variant Server 0.00008; gnomAD exomes 0.00016 and 0.00021; ExAC 0.00018; 1000 Genomes Project 0.00060; 1000 Genomes Project 30x 0.00062.
gnomAD v4.1: 244 of 1,614,098 alleles (0.015%); highest among the groups gnomAD compares: South Asian, 0.12%; no homozygotes.

Submissions (3):

PreventionGenetics, part of Exact Sciences
Classification: Uncertain significance for WRN-related condition. Last evaluated: 2026-07-29. Review status: criteria provided, single submitter. Criteria: ACMG Guidelines, 2015. Collection method: clinical testing. Allele origin: germline.
Comment: The WRN c.3881C>T variant is predicted to result in the amino acid substitution p.Ala1294Val. To our knowledge, this variant has not been reported in the literature. This variant is reported in 0.15% of alleles in individuals of South Asian descent in gnomAD and has conflicting interpretations in ClinVar ranging from likely benign to uncertain (Variation ID: 458471). Although we suspect that this variant may be benign, at this time, the clinical significance of this variant is uncertain due to the absence of conclusive functional and genetic evidence.

Labcorp Genetics (formerly Invitae), Labcorp
Classification: Likely benign for Werner syndrome. Last evaluated: 2026-01-27. Review status: criteria provided, single submitter. Criteria: Invitae Variant Classification Sherloc (09022015). Collection method: clinical testing. Allele origin: germline.

Mendelics
Classification: Uncertain significance for Werner syndrome. Last evaluated: 2019-05-28. Review status: criteria provided, single submitter. Criteria: Mendelics Assertion Criteria 2017. Collection method: clinical testing. Allele origin: unknown.

NM_000553.6(WRN):c.3881C>T (p.Ala1294Val)

Gene: WRN (WRN RecQ like helicase; plus strand). Cytogenetic location: 8p12.
Variant type: single nucleotide variant.
Coding change: c.3881C>T on transcript NM_000553.6 (MANE Select); coding-DNA position 3881, C replaced by T.
Protein change: p.Ala1294Val; replaces alanine 1294 with valine.
Molecular consequence: missense variant.
Genome position (GRCh38, 1-based): chr8:31,157,429, C>T. VCF-style: chr8-31157429-C-T. GRCh37 (hg19) VCF-style: chr8-31014945-C-T.
Other names: short protein forms A1294V.
Identifiers: ClinVar variation 458471 (VCV000458471.11), dbSNP rs146861737, ClinGen allele CA4705198.